The following is an entry in ClinVar:

ClinVar aggregate classification (germline): Likely benign. Review status: criteria provided, multiple submitters, no conflicts (2 of 4 stars). 2 submissions from 2 submitters: Likely benign (2). Last evaluated 2025-09-10.

Conditions:
SCAPER-related disorder. Also called: SCAPER-related condition.

gnomAD v4.1: 39 of 1,604,142 alleles (0.0024%); highest among the groups gnomAD compares: African/African-American, 0.039%; no homozygotes.

Submissions (2):

PreventionGenetics, part of Exact Sciences
Classification: Likely benign for SCAPER-related condition. Last evaluated: 2025-09-10. Review status: criteria provided, single submitter. Criteria: ACMG Guidelines, 2015. Collection method: clinical testing. Allele origin: germline.
Comment: This variant is classified as likely benign based on ACMG/AMP sequence variant interpretation guidelines (Richards et al. 2015 PMID: 25741868, with internal and published modifications).

Blueprint Genetics
Classification: Likely benign. Last evaluated: 2022-03-24. Review status: criteria provided, single submitter. Criteria: ACMG Guidelines, 2015. Collection method: clinical testing. Allele origin: germline.

NM_020843.4(SCAPER):c.633A>C (p.Pro211=)

Gene: SCAPER (S-phase cyclin A associated protein in the ER; minus strand). Cytogenetic location: 15q24.3.
Variant type: single nucleotide variant.
Coding change: c.633A>C on transcript NM_020843.4 (MANE Select); coding-DNA position 633, A replaced by C.
Protein change: p.Pro211=; no amino-acid change (proline 211 retained).
Molecular consequence: synonymous variant. On other transcripts: 5 prime UTR variant (1), non-coding transcript variant (1).
Genome position (GRCh38, 1-based): chr15:76,795,419, T>G on the plus strand (A>C on the coding strand, the complement: SCAPER is on the minus strand). VCF-style: chr15-76795419-T-G. GRCh37 (hg19) VCF-style: chr15-77087760-T-G.
Other names: c.633A>C (NM_001353009.1); c.-265A>C (NM_001145923.2); c.633A>C, p.Pro211= (NM_001353009.2); c.231A>C, p.Pro77= (NM_001353010.2, NM_001353011.2, NM_001353012.2).
Identifiers: ClinVar variation 4926016 (VCV004926016.2).